The following is an entry in ClinVar:

ClinVar aggregate classification (germline): Benign. Review status: criteria provided, single submitter (1 of 4 stars). 2 submissions from 1 submitter: Benign (2). Last evaluated 2018-01-13.

Conditions:
Schwartz-Jampel syndrome. Also called: Myotonic myopathy dwarfism chondrodystrophy and ocular and facial abnormalities. Identifiers: Orphanet 800, MedGen C0036391, MONDO:0009717.
Lethal Kniest-like syndrome (DDSH). Also called: Dyssegmental Dysplasia. Identifiers: Orphanet 1865, MedGen C1857100, MONDO:0009140, OMIM 224410.

Allele frequency attached by ClinVar (database versions not stated): gnomAD exomes 0.00129; gnomAD 0.00948 and 0.01017; 1000 Genomes Project 0.01018; TOPMed 0.01036; 1000 Genomes Project 30x 0.01077.
gnomAD v4.1: 1,642 of 319,656 alleles (0.51%); highest among the groups gnomAD compares: African/African-American, 3.3%; 23 homozygotes.

Submissions (2):

Illumina Laboratory Services, Illumina
Classification: Benign for Schwartz-Jampel syndrome type 1. Last evaluated: 2018-01-13. Review status: criteria provided, single submitter. Criteria: ICSL Variant Classification Criteria 13 December 2019. Collection method: clinical testing. Allele origin: germline.
Comment: This variant was observed in the ICSL laboratory as part of a predisposition screen in an ostensibly healthy population. It had not been previously curated by ICSL or reported in the Human Gene Mutation Database (HGMD: prior to June 1st, 2018), and was therefore a candidate for classification through an automated scoring system. Utilizing variant allele frequency, disease prevalence and penetrance estimates, and inheritance mode, an automated score was calculated to assess if this variant is too frequent to cause the disease. Based on the score and internal cut-off values, a variant classified as benign is not then subjected to further curation. The score for this variant resulted in a classification of benign for this disease.

Illumina Laboratory Services, Illumina
Classification: Benign for Lethal Kniest-like syndrome. Last evaluated: 2018-01-13. Review status: criteria provided, single submitter. Criteria: ICSL Variant Classification Criteria 13 December 2019. Collection method: clinical testing. Allele origin: germline.
Comment: the same text as in the submission from Illumina Laboratory Services, Illumina above.

NM_005529.7(HSPG2):c.*736C>T

Genes: LDLRAD2 (low density lipoprotein receptor class A domain containing 2; plus strand), HSPG2 (heparan sulfate proteoglycan 2; minus strand). Cytogenetic location: 1p36.12.
Variant type: single nucleotide variant.
Coding change: c.*736C>T on transcript NM_005529.7 (MANE Select); 736 bases downstream of the stop codon, C replaced by T.
Molecular consequence: 3 prime UTR variant.
Genome position (GRCh38, 1-based): chr1:21,822,580, G>A on the plus strand (C>T on the coding strand, the complement: HSPG2 is on the minus strand). VCF-style: chr1-21822580-G-A. GRCh37 (hg19) VCF-style: chr1-22149073-G-A.
Other names: c.*736C>T (NM_001291860.2); c.*365G>A (NM_001013693.3).
Identifiers: ClinVar variation 874432 (VCV000874432.4), dbSNP rs116354301, ClinGen allele CA19144736.